The following is an entry in ClinVar:

ClinVar aggregate classification (germline): Uncertain significance (1 of 4 stars; one submission).

Submission:

Labcorp Genetics (formerly Invitae), Labcorp
Classification: Uncertain significance. Last evaluated: 2022-05-29. Review status: criteria provided, single submitter. Criteria: Invitae Variant Classification Sherloc (09022015). Collection method: clinical testing. Allele origin: germline.
Comment: This sequence change falls in intron 4 of the SERPINB8 gene. It does not directly change the encoded amino acid sequence of the SERPINB8 protein. It affects a nucleotide within the consensus splice site. This variant is not present in population databases (gnomAD no frequency). This variant has not been reported in the literature in individuals affected with SERPINB8-related conditions. Variants that disrupt the consensus splice site are a relatively common cause of aberrant splicing (PMID: 17576681, 9536098). Algorithms developed to predict the effect of sequence changes on RNA splicing suggest that this variant is not likely to affect RNA splicing. In summary, the available evidence is currently insufficient to determine the role of this variant in disease. Therefore, it has been classified as a Variant of Uncertain Significance.

Literature cited by the submitters: PubMed 17576681; PubMed 9536098.

NM_002640.4(SERPINB8):c.424+6A>G

Gene: SERPINB8 (serpin family B member 8; plus strand). Cytogenetic location: 18q22.1.
Variant type: single nucleotide variant.
Coding change: c.424+6A>G on transcript NM_002640.4 (MANE Select); 6 bases into the intron after coding-DNA position 424, A replaced by G.
Molecular consequence: intron variant.
Genome position (GRCh38, 1-based): chr18:63,981,844, A>G. VCF-style: chr18-63981844-A-G. GRCh37 (hg19) VCF-style: chr18-61649078-A-G.
Other names: c.424+6A>G (NM_001348367.2, NM_001366198.1, NM_198833.2 and 3 more transcripts); c.-123+6A>G (NM_001276490.2); c.27+6A>G (NM_001348370.2).
Identifiers: ClinVar variation 1951986 (VCV001951986.5), dbSNP rs2511735065, ClinGen allele CA2576522190.